The following is an entry in ClinVar:

ClinVar aggregate classification (germline): Uncertain significance (1 of 4 stars; one submission).

Conditions:
Hereditary nonpolyposis colorectal neoplasms. Identifiers: MedGen C0009405, MeSH D003123.

Submission:

Labcorp Genetics (formerly Invitae), Labcorp
Classification: Uncertain significance for Hereditary nonpolyposis colorectal neoplasms. Last evaluated: 2023-02-15. Review status: criteria provided, single submitter. Criteria: Invitae Variant Classification Sherloc (09022015). Collection method: clinical testing. Allele origin: germline.
Comment: In summary, the available evidence is currently insufficient to determine the role of this variant in disease. Therefore, it has been classified as a Variant of Uncertain Significance. This sequence change replaces glutamic acid, which is acidic and polar, with glycine, which is neutral and non-polar, at codon 675 of the MSH6 protein (p.Glu675Gly). This variant is not present in population databases (gnomAD no frequency). This variant has not been reported in the literature in individuals affected with MSH6-related conditions. ClinVar contains an entry for this variant (Variation ID: 644624). Advanced modeling of protein sequence and biophysical properties (such as structural, functional, and spatial information, amino acid conservation, physicochemical variation, residue mobility, and thermodynamic stability) performed at Invitae indicates that this missense variant is not expected to disrupt MSH6 protein function.

NM_000179.3(MSH6):c.2024A>G (p.Glu675Gly)

Gene: MSH6 (mutS homolog 6; plus strand). Cytogenetic location: 2p16.3.
Variant type: single nucleotide variant.
Coding change: c.2024A>G on transcript NM_000179.3 (MANE Select); coding-DNA position 2024, A replaced by G.
Protein change: p.Glu675Gly; replaces glutamic acid 675 with glycine.
Molecular consequence: missense variant.
Genome position (GRCh38, 1-based): chr2:47,800,007, A>G. VCF-style: chr2-47800007-A-G. GRCh37 (hg19) VCF-style: chr2-48027146-A-G.
Other names: c.1634A>G, p.Glu545Gly (NM_001281492.2); c.1118A>G, p.Glu373Gly (NM_001281493.2, NM_001281494.2); short protein forms E373G, E675G, E545G.
Identifiers: ClinVar variation 644624 (VCV000644624.7), dbSNP rs1572725363, ClinGen allele CA346750707.